The following is an entry in ClinVar:

ClinVar aggregate classification (germline): Uncertain significance (1 of 4 stars; one submission).

Conditions:
Neuropathy, hereditary sensory and autonomic, type 2A (HSAN2A). Also called: HSAN IIA; ACROOSTEOLYSIS, GIACCAI TYPE; ACROOSTEOLYSIS, NEUROGENIC; MORVAN DISEASE; NEUROPATHY, CONGENITAL SENSORY; NEUROPATHY, HEREDITARY SENSORY RADICULAR, AUTOSOMAL RECESSIVE. Identifiers: Orphanet 970, MedGen C2752089, MONDO:0024309, OMIM 201300.
Generalized epilepsy with febrile seizures plus, type 7 (GEFSP7). Also called: GEFS+, TYPE 7. Identifiers: Orphanet 36387, MedGen C2751778, MONDO:0013470, OMIM 613863.

Submission:

Labcorp Genetics (formerly Invitae), Labcorp
Classification: Uncertain significance for Neuropathy, hereditary sensory and autonomic, type 2A; Generalized epilepsy with febrile seizures plus, type 7. Last evaluated: 2020-09-08. Review status: criteria provided, single submitter. Criteria: Invitae Variant Classification Sherloc (09022015). Collection method: clinical testing. Allele origin: germline.
Comment: This variant is not present in population databases (ExAC no frequency). This variant has not been reported in the literature in individuals with SCN9A-related conditions. Algorithms developed to predict the effect of missense changes on protein structure and function are either unavailable or do not agree on the potential impact of this missense change (SIFT: "Deleterious"; PolyPhen-2: "Benign"; Align-GVGD: "Class C0"). In summary, the available evidence is currently insufficient to determine the role of this variant in disease. Therefore, it has been classified as a Variant of Uncertain Significance. This sequence change replaces methionine with leucine at codon 1422 of the SCN9A protein (p.Met1422Leu). The methionine residue is highly conserved and there is a small physicochemical difference between methionine and leucine.

NM_001365536.1(SCN9A):c.4297A>C (p.Met1433Leu)

Genes: SCN1A-AS1 (SCN1A and SCN9A antisense RNA 1; plus strand), SCN9A (sodium voltage-gated channel alpha subunit 9; minus strand). Cytogenetic location: 2q24.3.
Variant type: single nucleotide variant.
Coding change: c.4297A>C on transcript NM_001365536.1 (MANE Select); coding-DNA position 4297, A replaced by C.
Protein change: p.Met1433Leu; replaces methionine 1433 with leucine.
Molecular consequence: missense variant.
Genome position (GRCh38, 1-based): chr2:166,226,668, T>G on the plus strand (A>C on the coding strand, the complement: SCN9A is on the minus strand). VCF-style: chr2-166226668-T-G. GRCh37 (hg19) VCF-style: chr2-167083178-T-G.
Other names: c.4264A>C, p.Met1422Leu (NM_002977.4); short protein forms M1422L, M1433L.
Identifiers: ClinVar variation 1052526 (VCV001052526.9), dbSNP rs1574756483, ClinGen allele CA349062050.